The following is an entry in ClinVar:

ClinVar aggregate classification (germline): Uncertain significance (1 of 4 stars; one submission).

Submission:

Labcorp Genetics (formerly Invitae), Labcorp
Classification: Uncertain significance. Last evaluated: 2022-03-11. Review status: criteria provided, single submitter. Criteria: Invitae Variant Classification Sherloc (09022015). Collection method: clinical testing. Allele origin: germline.
Comment: This sequence change replaces glutamic acid, which is acidic and polar, with glutamine, which is neutral and polar, at codon 1463 of the MPDZ protein (p.Glu1463Gln). In summary, the available evidence is currently insufficient to determine the role of this variant in disease. Therefore, it has been classified as a Variant of Uncertain Significance. Algorithms developed to predict the effect of sequence changes on RNA splicing suggest that this variant may disrupt the consensus splice site. Algorithms developed to predict the effect of missense changes on protein structure and function (SIFT, PolyPhen-2, Align-GVGD) all suggest that this variant is likely to be disruptive. This variant has not been reported in the literature in individuals affected with MPDZ-related conditions. This variant is not present in population databases (gnomAD no frequency).

NM_001378778.1(MPDZ):c.4387G>C (p.Glu1463Gln)

Gene: MPDZ (multiple PDZ domain crumbs cell polarity complex component; minus strand). Cytogenetic location: 9p23.
Variant type: single nucleotide variant.
Coding change: c.4387G>C on transcript NM_001378778.1 (MANE Select); coding-DNA position 4387, G replaced by C.
Protein change: p.Glu1463Gln; replaces glutamic acid 1463 with glutamine.
Molecular consequence: missense variant.
Genome position (GRCh38, 1-based): chr9:13,133,901, C>G on the plus strand (G>C on the coding strand, the complement: MPDZ is on the minus strand). VCF-style: chr9-13133901-C-G. GRCh37 (hg19) VCF-style: chr9-13133900-C-G.
Other names: c.4288G>C, p.Glu1430Gln (NM_001261406.2, NM_001261407.2, NM_001375416.1 and 3 more transcripts); c.4387G>C, p.Glu1463Gln (NM_001330637.2, NM_003829.5); c.4486G>C, p.Glu1496Gln (NM_001375413.1); c.4177G>C, p.Glu1393Gln (NM_001375420.1, NM_001375421.1, NM_001375422.1 and 4 more transcripts); c.3979G>C, p.Glu1327Gln (NM_001375427.1); short protein forms E1327Q, E1430Q, E1496Q, E1393Q, E1463Q.
Identifiers: ClinVar variation 2077962 (VCV002077962.4), dbSNP rs1443386605, ClinGen allele CA372948584.